The following is an entry in ClinVar:

NM_000051.4(ATM):c.5300T>C (p.Phe1767Ser)

Gene: ATM (ATM serine/threonine kinase; plus strand). Cytogenetic location: 11q22.3.
Variant type: single nucleotide variant.
Coding change: c.5300T>C on transcript NM_000051.4 (MANE Select); coding-DNA position 5300, T replaced by C.
Protein change: p.Phe1767Ser; replaces phenylalanine 1767 with serine.
Molecular consequence: missense variant.
Genome position (GRCh38, 1-based): chr11:108,301,770, T>C. VCF-style: chr11-108301770-T-C. GRCh37 (hg19) VCF-style: chr11-108172497-T-C.
Other names: c.5300T>C, p.Phe1767Ser (NM_001351834.2); short protein forms F1767S.
Identifiers: ClinVar variation 920181 (VCV000920181.9), dbSNP rs864622125, ClinGen allele CA382542741.

ClinVar aggregate classification (germline): Uncertain significance. Review status: criteria provided, multiple submitters, no conflicts (2 of 4 stars). 3 submissions from 3 submitters: Uncertain significance (3). Last evaluated 2024-08-20.

Conditions:
Hereditary cancer-predisposing syndrome. Also called: Hereditary Cancer Syndrome; Hereditary neoplastic syndrome; Neoplastic Syndromes, Hereditary; Tumor predisposition. Identifiers: Orphanet 140162, MedGen C0027672, MeSH D009386, MONDO:0015356.
Ataxia-telangiectasia syndrome (AT). Also called: Ataxia-telangiectasia, complementation group E; LOUIS-BAR SYNDROME; Cerebello-oculocutaneous telangiectasia; Immunodeficiency with ataxia telangiectasia; Ataxia-telangiectasia, complementation group D; AT, COMPLEMENTATION GROUP C. Identifiers: Orphanet 100, MedGen C0004135, MONDO:0008840, OMIM 208900.

Submissions (3):

Ambry Genetics
Classification: Uncertain significance for Hereditary cancer-predisposing syndrome. Last evaluated: 2024-08-20. Review status: criteria provided, single submitter. Criteria: Ambry Variant Classification Scheme 2023. Collection method: clinical testing. Allele origin: germline.
Comment: The p.F1767S variant (also known as c.5300T>C), located in coding exon 34 of the ATM gene, results from a T to C substitution at nucleotide position 5300. The phenylalanine at codon 1767 is replaced by serine, an amino acid with highly dissimilar properties. This variant was observed in an individual with early onset-breast cancer amongst a cohort of 1781 non-Ashkenazi Jewish individuals undergoing BRCA1/2 gene testing based on a personal history of breast cancer (Tung N et al. Cancer, 2015 Jan;121:25-33). This amino acid position is highly conserved in available vertebrate species. In addition, this alteration is predicted to be deleterious by in silico analysis. Based on the available evidence, the clinical significance of this variant remains unclear.

Labcorp Genetics (formerly Invitae), Labcorp
Classification: Uncertain significance for Ataxia-telangiectasia syndrome. Last evaluated: 2022-03-29. Review status: criteria provided, single submitter. Criteria: Invitae Variant Classification Sherloc (09022015). Collection method: clinical testing. Allele origin: germline.
Comment: This variant is not present in population databases (gnomAD no frequency). In summary, the available evidence is currently insufficient to determine the role of this variant in disease. Therefore, it has been classified as a Variant of Uncertain Significance. Algorithms developed to predict the effect of missense changes on protein structure and function (SIFT, PolyPhen-2, Align-GVGD) all suggest that this variant is likely to be disruptive. ClinVar contains an entry for this variant (Variation ID: 920181). This variant has not been reported in the literature in individuals affected with ATM-related conditions. This sequence change replaces phenylalanine, which is neutral and non-polar, with serine, which is neutral and polar, at codon 1767 of the ATM protein (p.Phe1767Ser).

Color Diagnostics, LLC DBA Color Health
Classification: Uncertain significance for Hereditary cancer-predisposing syndrome. Last evaluated: 2019-12-16. Review status: criteria provided, single submitter. Criteria: ACMG Guidelines, 2015. Collection method: clinical testing. Allele origin: germline.
Comment: This missense variant replaces phenylalanine with serine at codon 1767 of the ATM protein. Computational prediction suggests that this variant may have deleterious impact on protein structure and function (internally defined REVEL score threshold >= 0.7, PMID: 27666373). Splice site prediction tools suggest that this variant may not impact RNA splicing. To our knowledge, functional studies have not been performed for this variant. This variant has not been reported in individuals affected with hereditary cancer in the literature. This variant has not been identified in the general population by the Genome Aggregation Database (gnomAD). The available evidence is insufficient to determine the role of this variant in disease conclusively. Therefore, this variant is classified as a Variant of Uncertain Significance.

Literature cited by the submitters: PubMed 25186627 (cited by Ambry Genetics).